The following is an entry in ClinVar:

NM_182746.3(MCM4):c.2389C>T (p.Arg797Trp)

Gene: MCM4 (minichromosome maintenance complex component 4; plus strand). Cytogenetic location: 8q11.21.
Variant type: single nucleotide variant.
Coding change: c.2389C>T on transcript NM_182746.3 (MANE Select); coding-DNA position 2389, C replaced by T.
Protein change: p.Arg797Trp; replaces arginine 797 with tryptophan.
Molecular consequence: missense variant.
Genome position (GRCh38, 1-based): chr8:47,975,738, C>T. VCF-style: chr8-47975738-C-T. GRCh37 (hg19) VCF-style: chr8-48888298-C-T.
Other names: c.2389C>T, p.Arg797Trp (NM_005914.4); c.2389C>T (NM_005914.3); short protein forms R797W.
Identifiers: ClinVar variation 1346479 (VCV001346479.6), dbSNP rs749728850, ClinGen allele CA4742906.

ClinVar aggregate classification (germline): Uncertain significance. Review status: criteria provided, multiple submitters, no conflicts (2 of 4 stars). 2 submissions from 2 submitters: Uncertain significance (2). Last evaluated 2025-06-12.

Allele frequency attached by ClinVar (database versions not stated): gnomAD 0.00004 and 0.00005; TOPMed 0.00004; ExAC 0.00005; gnomAD exomes 0.00007 and 0.00006.
gnomAD v4.1: 111 of 1,572,088 alleles (0.0071%); highest among the groups gnomAD compares: Middle Eastern, 0.034%; no homozygotes.

Submissions (2):

Ambry Genetics
Classification: Uncertain significance. Last evaluated: 2025-06-12. Review status: criteria provided, single submitter. Criteria: Ambry Variant Classification Scheme 2023. Collection method: clinical testing. Allele origin: germline.

Labcorp Genetics (formerly Invitae), Labcorp
Classification: Uncertain significance. Last evaluated: 2023-08-07. Review status: criteria provided, single submitter. Criteria: Invitae Variant Classification Sherloc (09022015). Collection method: clinical testing. Allele origin: germline.
Comment: In summary, the available evidence is currently insufficient to determine the role of this variant in disease. Therefore, it has been classified as a Variant of Uncertain Significance. Advanced modeling of protein sequence and biophysical properties (such as structural, functional, and spatial information, amino acid conservation, physicochemical variation, residue mobility, and thermodynamic stability) performed at Invitae indicates that this missense variant is expected to disrupt MCM4 protein function. ClinVar contains an entry for this variant (Variation ID: 1346479). This variant has not been reported in the literature in individuals affected with MCM4-related conditions. This variant is present in population databases (rs749728850, gnomAD 0.02%). This sequence change replaces arginine, which is basic and polar, with tryptophan, which is neutral and slightly polar, at codon 797 of the MCM4 protein (p.Arg797Trp).